The following is an entry in ClinVar:

NM_001184.4(ATR):c.4706T>A (p.Ile1569Asn)

Gene: ATR (ATR checkpoint kinase; minus strand). Cytogenetic location: 3q23.
Variant type: single nucleotide variant.
Coding change: c.4706T>A on transcript NM_001184.4 (MANE Select); coding-DNA position 4706, T replaced by A.
Protein change: p.Ile1569Asn; replaces isoleucine 1569 with asparagine.
Molecular consequence: missense variant.
Genome position (GRCh38, 1-based): chr3:142,512,406, A>T on the plus strand (T>A on the coding strand, the complement: ATR is on the minus strand). VCF-style: chr3-142512406-A-T. GRCh37 (hg19) VCF-style: chr3-142231248-A-T.
Other names: c.4514T>A, p.Ile1505Asn (NM_001354579.2); short protein forms I1505N, I1569N.
Identifiers: ClinVar variation 1057222 (VCV001057222.11), dbSNP rs2108372168, ClinGen allele CA354795604.

ClinVar aggregate classification (germline): Uncertain significance. Review status: criteria provided, multiple submitters, no conflicts (2 of 4 stars). 4 submissions from 3 submitters: Uncertain significance (4). Last evaluated 2023-02-08.

Conditions:
Inborn genetic diseases. Identifiers: MedGen C0950123, MeSH D030342.
Familial cutaneous telangiectasia and oropharyngeal predisposition cancer syndrome. Identifiers: Orphanet 313846, MedGen C3281203, MONDO:0013806, OMIM 614564.
Seckel syndrome 1 (SCKL1). Also called: MICROCEPHALIC PRIMORDIAL DWARFISM I. Identifiers: Orphanet 808, MedGen C4551474, MONDO:0008869, OMIM 210600.

gnomAD v4.1: 1 of 1,613,918 alleles (0.000062%); highest among the groups gnomAD compares: Non-Finnish European, 0.000085%; no homozygotes.

Submissions (4):

Genome-Nilou Lab
Classification: Uncertain significance for Seckel syndrome 1. Last evaluated: 2023-02-08. Review status: criteria provided, single submitter. Criteria: ACMG Guidelines, 2015. Collection method: clinical testing. Allele origin: germline.

Genome-Nilou Lab
Classification: Uncertain significance for Familial cutaneous telangiectasia and oropharyngeal predisposition cancer syndrome. Last evaluated: 2023-02-08. Review status: criteria provided, single submitter. Criteria: ACMG Guidelines, 2015. Collection method: clinical testing. Allele origin: germline.

Ambry Genetics
Classification: Uncertain significance for Inborn genetic diseases. Last evaluated: 2022-02-22. Review status: criteria provided, single submitter. Criteria: Ambry Variant Classification Scheme 2023. Collection method: clinical testing. Allele origin: germline.
Comment: The p.I1569N variant (also known as c.4706T>A), located in coding exon 27 of the ATR gene, results from a T to A substitution at nucleotide position 4706. The isoleucine at codon 1569 is replaced by asparagine, an amino acid with dissimilar properties. This amino acid position is conserved. In addition, this alteration is predicted to be tolerated by in silico analysis. Since supporting evidence is limited at this time, the clinical significance of this alteration remains unclear.

Labcorp Genetics (formerly Invitae), Labcorp
Classification: Uncertain significance. Last evaluated: 2020-02-26. Review status: criteria provided, single submitter. Criteria: Invitae Variant Classification Sherloc (09022015). Collection method: clinical testing. Allele origin: germline.
Comment: This sequence change replaces isoleucine with asparagine at codon 1569 of the ATR protein (p.Ile1569Asn). The isoleucine residue is weakly conserved and there is a large physicochemical difference between isoleucine and asparagine. In summary, the available evidence is currently insufficient to determine the role of this variant in disease. Therefore, it has been classified as a Variant of Uncertain Significance. Algorithms developed to predict the effect of missense changes on protein structure and function (SIFT, PolyPhen-2, Align-GVGD) all suggest that this variant is likely to be tolerated, but these predictions have not been confirmed by published functional studies and their clinical significance is uncertain. This variant has not been reported in the literature in individuals with ATR-related conditions. This variant is not present in population databases (ExAC no frequency).